The following is an entry in ClinVar:

ClinVar aggregate classification (germline): Uncertain significance (1 of 4 stars; one submission).

Conditions:
Mosaic variegated aneuploidy syndrome 1 (MVA1). Also called: Warburton-Anyane-Yeboa syndrome. Identifiers: Orphanet 1052, MedGen C1850343, MONDO:0009759, OMIM 257300.

Allele frequency attached by ClinVar (database versions not stated): gnomAD 0.00001; gnomAD exomes below 0.00001.
gnomAD v4.1: 7 of 1,585,420 alleles (0.00044%); highest among the groups gnomAD compares: Non-Finnish European, 0.00061%; no homozygotes.

Submission:

Labcorp Genetics (formerly Invitae), Labcorp
Classification: Uncertain significance for Mosaic variegated aneuploidy syndrome 1. Last evaluated: 2025-10-06. Review status: criteria provided, single submitter. Criteria: Invitae Variant Classification Sherloc (09022015). Collection method: clinical testing. Allele origin: germline.
Comment: This sequence change affects codon 795 of the BUB1B mRNA. It is a 'silent' change, meaning that it does not change the encoded amino acid sequence of the BUB1B protein. This variant also falls at the last nucleotide of exon 18, which is part of the consensus splice site for this exon. This variant is present in population databases (no rsID available, gnomAD 0.007%). This variant has not been reported in the literature in individuals affected with BUB1B-related conditions. ClinVar contains an entry for this variant (Variation ID: 2721762). Variants that disrupt the consensus splice site are a relatively common cause of aberrant splicing (PMID: 17576681, 9536098). Algorithms developed to predict the effect of sequence changes on RNA splicing suggest that this variant may disrupt the consensus splice site. In summary, the available evidence is currently insufficient to determine the role of this variant in disease. Therefore, it has been classified as a Variant of Uncertain Significance.

Literature cited by the submitters: PubMed 17576681; PubMed 9536098.

NM_001211.6(BUB1B):c.2385G>A (p.Lys795=)

Gene: BUB1B (BUB1 mitotic checkpoint serine/threonine kinase B; plus strand). Cytogenetic location: 15q15.1.
Variant type: single nucleotide variant.
Coding change: c.2385G>A on transcript NM_001211.6 (MANE Select); coding-DNA position 2385, G replaced by A.
Protein change: p.Lys795=; no amino-acid change (lysine 795 retained).
Molecular consequence: synonymous variant.
Genome position (GRCh38, 1-based): chr15:40,210,210, G>A. VCF-style: chr15-40210210-G-A. GRCh37 (hg19) VCF-style: chr15-40502411-G-A.
Identifiers: ClinVar variation 2721762 (VCV002721762.3), dbSNP rs1427050449, ClinGen allele CA489710660.
Genomic context (GRCh38, chr15:40,210,210, plus strand): 5'-TGAAGATTACAAGTTATTCTGGGTGGCGCCAAGAAACTCTGCAGAATTAACAGTAATAAA[G>A]GTGGGACTGATTCTTTATAATTTCAGTTACTTTGTAAATAATACGGATTGGAGCAATAAC-3'
Protein context (NP_001202.5, residues 785-805): PRNSAELTVI[Lys795=]VSSQPVPWDF